The following is an entry in ClinVar:

NM_000884.3(IMPDH2):c.1232_1233del (p.Tyr411fs)

Gene: IMPDH2 (inosine monophosphate dehydrogenase 2; minus strand). Cytogenetic location: 3p21.31.
Variant type: Microsatellite.
Coding change: c.1232_1233del on transcript NM_000884.3 (MANE Select); coding-DNA positions 1232 to 1233, 2 bases deleted (AT; older notation c.1232_1233delAT).
Protein change: p.Tyr411fs; shifts the reading frame from tyrosine 411.
Molecular consequence: frameshift variant.
Genome position (GRCh38, 1-based): chr3:49,024,958-49,024,959, AT deleted on the plus strand (AT on the coding strand, the reverse complement: IMPDH2 is on the minus strand); deleting any 2 consecutive bases within chr3:49,024,958-49,024,961 gives the same sequence; the c. name uses the placement nearest the transcript's 3' end. VCF-style (leftmost placement, unchanged base first): chr3-49024957-GAT-G. GRCh37 (hg19) VCF-style: chr3-49062390-GAT-G.
Other names: c.1304_1305del, p.Tyr435fs (NM_001410759.1); c.1229_1230del, p.Tyr410fs (NM_001410760.1); c.1157_1158del, p.Tyr386fs (NM_001410761.1); short protein forms Y386fs, Y410fs, Y411fs, Y435fs.
Identifiers: ClinVar variation 3777383 (VCV003777383.1).

ClinVar aggregate classification (germline): Uncertain significance (1 of 4 stars; one submission).

Submission:

GeneDx
Classification: Uncertain significance. Last evaluated: 2024-10-10. Review status: criteria provided, single submitter. Criteria: GeneDx Variant Classification Process June 2021. Collection method: clinical testing. Allele origin: germline. Affected: yes.
Comment: Frameshift variant predicted to result in protein truncation or nonsense mediated decay in a gene or region of a gene for which loss of function is not a well-established mechanism of disease; Not observed at significant frequency in large population cohorts (gnomAD); Has not been previously published as pathogenic or benign to our knowledge